The following is an entry in ClinVar:

ClinVar aggregate classification (germline): Likely benign (1 of 4 stars; one submission).

Submission:

GeneDx
Classification: Likely benign. Last evaluated: 2016-03-08. Review status: criteria provided, single submitter. Criteria: GeneDx Variant Classification (06012015). Collection method: clinical testing. Allele origin: germline. Affected: yes.
Comment: This variant is considered likely benign or benign based on one or more of the following criteria: it is a conservative change, it occurs at a poorly conserved position in the protein, it is predicted to be benign by multiple in silico algorithms, and/or has population frequency not consistent with disease.

NM_017866.6(TMEM70):c.317-23CT[3]

Gene: TMEM70 (transmembrane protein 70; plus strand). Cytogenetic location: 8q21.11.
Variant type: Microsatellite.
Coding change: c.317-23CT[3] on transcript NM_017866.6 (MANE Select); three copies in a row of the 2-base unit CT starting at c.317-23; the reference has four copies in a row; one copy, 2 bases deleted.
Molecular consequence: intron variant.
Genome position (GRCh38, 1-based): chr8:73,981,138-73,981,139, CT deleted; deleting any 2 consecutive bases within chr8:73,981,132-73,981,139 gives the same sequence; the position shown is the placement nearest the transcript's 3' end. VCF-style (leftmost placement, unchanged base first): chr8-73981131-CCT-C. GRCh37 (hg19) VCF-style: chr8-74893366-CCT-C.
Other names: c.317-17_317-16delCT (NM_017866.5); c.*7-23CT[3] (NM_001040613.3).
Identifiers: ClinVar variation 420474 (VCV000420474.1), dbSNP rs758221585, ClinGen allele CA4784030.
Genomic context (GRCh38, chr8:73,981,131, plus strand): 5'-AGAAAAATGGAAGAATTAGTGGGATAGATTGATTCTTTTATAAAATTTAAAAGTATTGAT[CCT>C]CTCTCTTTTTTTCCCATTTAGGTGTGAAATGTTTCTCTTATTCTACGAGTCTGATTGGCC-3'